The following is an entry in ClinVar:

ClinVar aggregate classification (germline): Likely benign. Review status: criteria provided, single submitter (1 of 4 stars). 2 submissions from 2 submitters: Likely benign (1). 1 of the submissions does not count toward it. Last evaluated 2022-05-27.

Conditions:
IFT74-related disorder. Also called: IFT74-Related Disorders; IFT74-related condition.

Allele frequency attached by ClinVar (database versions not stated): TOPMed below 0.00001; ExAC 0.00004.
gnomAD v4.1: 15 of 1,609,030 alleles (0.00093%); highest among the groups gnomAD compares: South Asian, 0.012%; no homozygotes.

Submissions (2):

Labcorp Genetics (formerly Invitae), Labcorp
Classification: Likely benign. Last evaluated: 2022-05-27. Review status: criteria provided, single submitter. Criteria: Invitae Variant Classification Sherloc (09022015). Collection method: clinical testing. Allele origin: germline.

PreventionGenetics, part of Exact Sciences
Classification: Likely benign for IFT74-related condition. Last evaluated: 2022-07-05. Review status: no assertion criteria provided. Collection method: clinical testing. Allele origin: germline. Not counted in ClinVar's aggregate classification.
Comment: This variant is classified as likely benign based on ACMG/AMP sequence variant interpretation guidelines (Richards et al. 2015 PMID: 25741868, with internal and published modifications).

NM_025103.4(IFT74):c.726+9A>G

Gene: IFT74 (intraflagellar transport 74; plus strand). Cytogenetic location: 9p21.2.
Variant type: single nucleotide variant.
Coding change: c.726+9A>G on transcript NM_025103.4 (MANE Select); 9 bases into the intron after coding-DNA position 726, A replaced by G.
Molecular consequence: intron variant.
Genome position (GRCh38, 1-based): chr9:27,009,167, A>G. VCF-style: chr9-27009167-A-G. GRCh37 (hg19) VCF-style: chr9-27009165-A-G.
Other names: c.726+9A>G (NM_001099223.3, NM_001099222.3, NM_001349928.2 and 2 more transcripts).
Identifiers: ClinVar variation 1925527 (VCV001925527.7), dbSNP rs767470907, ClinGen allele CA5015353.